The following is an entry in ClinVar:

ClinVar aggregate classification (germline): Pathogenic (1 of 4 stars; one submission).

Conditions:
Dyskeratosis congenita, autosomal recessive 5 (DKCB5). Identifiers: MedGen C3554656, MONDO:0014076, OMIM 615190.
Pulmonary fibrosis and/or bone marrow failure, Telomere-related, 3. Also called: PULMONARY FIBROSIS AND/OR BONE MARROW FAILURE SYNDROME, TELOMERE-RELATED, 3. Identifiers: Orphanet 2032, MedGen C4225346, MONDO:0014613, OMIM 616373.

Submission:

Labcorp Genetics (formerly Invitae), Labcorp
Classification: Pathogenic for Dyskeratosis congenita, autosomal recessive 5; Pulmonary fibrosis and/or bone marrow failure, Telomere-related, 3. Last evaluated: 2023-11-10. Review status: criteria provided, single submitter. Criteria: Invitae Variant Classification Sherloc (09022015). Collection method: clinical testing. Allele origin: germline.
Comment: This sequence change results in a frameshift in the RTEL1 gene (p.Lys1176Argfs*188). While this is not anticipated to result in nonsense mediated decay, it is expected to disrupt the last 125 amino acid(s) of the RTEL1 protein and extend the protein by 62 additional amino acid residues. This variant is not present in population databases (gnomAD no frequency). This variant has not been reported in the literature in individuals affected with RTEL1-related conditions. This variant disrupts a region of the RTEL1 protein in which other variant(s) (p.Arg1264His) have been determined to be pathogenic (PMID: 23453664, 24009516, 25047097, 25099625, 25620558, 26025130). This suggests that this is a clinically significant region of the protein, and that variants that disrupt it are likely to be disease-causing. For these reasons, this variant has been classified as Pathogenic.

Literature cited by the submitters: PubMed 23453664; PubMed 24009516; PubMed 25047097; PubMed 25099625; PubMed 25620558; PubMed 26025130.

NM_001283009.2(RTEL1):c.3525del (p.Lys1176fs)

Genes: RTEL1 (regulator of telomere elongation helicase 1; plus strand), RTEL1-TNFRSF6B (RTEL1-TNFRSF6B readthrough (NMD candidate); plus strand). Cytogenetic location: 20q13.33.
Variant type: Deletion.
Coding change: c.3525del on transcript NM_001283009.2 (MANE Select); coding-DNA position 3525, one base deleted (G; older notation c.3525delG).
Protein change: p.Lys1176fs; shifts the reading frame from lysine 1176.
Molecular consequence: frameshift variant. On other transcripts: non-coding transcript variant (1).
Genome position (GRCh38, 1-based): chr20:63,695,353, G deleted; the last of 3 consecutive G bases (chr20:63,695,351-63,695,353); deleting any one gives the same sequence. VCF-style (leftmost placement, unchanged base first): chr20-63695350-CG-C. GRCh37 (hg19) VCF-style: chr20-62326703-CG-C.
Other names: c.2856del, p.Lys953fs (NM_001283010.1); c.3525del, p.Lys1176fs (NM_016434.4); c.3597del, p.Lys1200fs (NM_032957.5); short protein forms K1176fs, K1200fs, K953fs.
Identifiers: ClinVar variation 2953743 (VCV002953743.3), dbSNP rs2517202795, ClinGen allele CA2740094689.
Genomic context (GRCh38, chr20:63,695,350, plus strand): 5'-GCCCCAGGCCCCCCTCAGACTCAAGTCTCTGTCTCCAGGCCCCTCACGGTCCGAGAAGAC[CG>C]GGAAGACCCAGAGCAAGATCTCGTCCTTCCTTAGACAGAGGCCAGCAGGGACTGTGGGGG-3'